The following is an entry in ClinVar:

ClinVar aggregate classification (germline): Likely benign. Review status: criteria provided, multiple submitters, no conflicts (2 of 4 stars). 3 submissions from 3 submitters: Likely benign (3). Last evaluated 2026-06-18.

Conditions:
Retinoblastoma (RB1). Also called: RETINOBLASTOMA, SOMATIC. Identifiers: Orphanet 790, MedGen C0035335, MeSH D012175, MONDO:0008380, OMIM 180200, HP:0009919. Disease mechanism: loss of function. Inheritance: Both sporadic and heritable forms are tested..

Submissions (3):

Myriad Genetics, Inc.
Classification: Likely benign for Retinoblastoma. Last evaluated: 2026-06-18. Review status: criteria provided, single submitter. Criteria: Myriad Autosomal Dominant, Autosomal Recessive and X-Linked Classification Criteria (2023). Collection method: clinical testing. Allele origin: unknown.
Comment: This variant is considered likely benign. This variant is intronic and is not expected to impact mRNA splicing.

Labcorp Genetics (formerly Invitae), Labcorp
Classification: Likely benign for Retinoblastoma. Last evaluated: 2025-12-09. Review status: criteria provided, single submitter. Criteria: Invitae Variant Classification Sherloc (09022015). Collection method: clinical testing. Allele origin: germline.

All of Us Research Program, National Institutes of Health
Classification: Likely benign for Retinoblastoma. Last evaluated: 2024-04-16. Review status: criteria provided, single submitter. Criteria: ACMG Guidelines, 2015. Collection method: clinical testing. Allele origin: germline. Inheritance: Autosomal dominant inheritance. Observed: 1 variant allele, 1 heterozygote.
Comment: This study involves interpretation of variants in research participants for the purpose of population health screening. Participant phenotype was not available at the time of variant classification. Additional details can be found in publication PMID: 35346344, PMCID: PMC8962531

NM_000321.3(RB1):c.540-13A>T

Gene: RB1 (RB transcriptional corepressor 1; plus strand). Cytogenetic location: 13q14.2.
Variant type: single nucleotide variant.
Coding change: c.540-13A>T on transcript NM_000321.3 (MANE Select); 13 bases into the intron before coding-DNA position 540, A replaced by T.
Molecular consequence: intron variant.
Genome position (GRCh38, 1-based): chr13:48,348,943, A>T. VCF-style: chr13-48348943-A-T. GRCh37 (hg19) VCF-style: chr13-48923079-A-T.
Identifiers: ClinVar variation 2160173 (VCV002160173.6), dbSNP rs1593437923, ClinGen allele CA955793745.